The following is an entry in ClinVar:

NM_004329.3(BMPR1A):c.1357T>C (p.Tyr453His)

Gene: BMPR1A (bone morphogenetic protein receptor type 1A; plus strand). Cytogenetic location: 10q23.2.
Variant type: single nucleotide variant.
Coding change: c.1357T>C on transcript NM_004329.3 (MANE Select); coding-DNA position 1357, T replaced by C.
Protein change: p.Tyr453His; replaces tyrosine 453 with histidine.
Molecular consequence: missense variant. On other transcripts: non-coding transcript variant (3).
Genome position (GRCh38, 1-based): chr10:86,923,390, T>C. VCF-style: chr10-86923390-T-C. GRCh37 (hg19) VCF-style: chr10-88683147-T-C.
Other names: c.1357T>C, p.Tyr453His (NM_001406574.1, NM_001406575.1, NM_001406576.1 and 19 more transcripts); c.1351T>C, p.Tyr451His (NM_001406583.1); c.1432T>C, p.Tyr478His (NM_001406559.1); c.1405T>C, p.Tyr469His (NM_001406560.1); c.1273T>C, p.Tyr425His (NM_001406584.1, NM_001406585.1, NM_001406586.1 and 2 more transcripts); c.1015T>C, p.Tyr339His (NM_001406589.1); short protein forms Y339H, Y478H, Y453H, Y469H, Y451H, Y425H.
Identifiers: ClinVar variation 2756442 (VCV002756442.4), dbSNP rs2539648061, ClinGen allele CA377462668.
Genomic context (GRCh38, chr10:86,923,390, plus strand): 5'-TGTCCAGCAACCATTTTTGTGCCCATGTTTTCTCATTCCCTTATAGGGATCGTGGAAGAA[T>C]ACCAATTGCCATATTACAACATGGTACCGAGTGATCCGTCATACGAAGATATGCGTGAGG-3'
Protein context (NP_004320.2, residues 443-463): RCITGGIVEE[Tyr453His]QLPYYNMVPS

ClinVar aggregate classification (germline): Uncertain significance. Review status: criteria provided, multiple submitters, no conflicts (2 of 4 stars). 2 submissions from 2 submitters: Uncertain significance (2). Last evaluated 2024-03-19.

Conditions:
Juvenile polyposis syndrome (JPS). Identifiers: Orphanet 2929, MedGen C0345893, MONDO:0017380, OMIM 174900.
Hereditary cancer-predisposing syndrome. Also called: Neoplastic Syndromes, Hereditary; Tumor predisposition; Hereditary neoplastic syndrome; Hereditary Cancer Syndrome. Identifiers: Orphanet 140162, MedGen C0027672, MeSH D009386, MONDO:0015356.

Submissions (2):

Ambry Genetics
Classification: Uncertain significance for Hereditary cancer-predisposing syndrome. Last evaluated: 2024-03-19. Review status: criteria provided, single submitter. Criteria: Ambry Variant Classification Scheme 2023. Collection method: clinical testing. Allele origin: germline.
Comment: The p.Y453H variant (also known as c.1357T>C), located in coding exon 10 of the BMPR1A gene, results from a T to C substitution at nucleotide position 1357. The tyrosine at codon 453 is replaced by histidine, an amino acid with similar properties. This amino acid position is conserved. In addition, the in silico prediction for this alteration is inconclusive. Based on the available evidence, the clinical significance of this alteration remains unclear.

Labcorp Genetics (formerly Invitae), Labcorp
Classification: Uncertain significance for Juvenile polyposis syndrome. Last evaluated: 2023-08-30. Review status: criteria provided, single submitter. Criteria: Invitae Variant Classification Sherloc (09022015). Collection method: clinical testing. Allele origin: germline.
Comment: In summary, the available evidence is currently insufficient to determine the role of this variant in disease. Therefore, it has been classified as a Variant of Uncertain Significance. Advanced modeling of protein sequence and biophysical properties (such as structural, functional, and spatial information, amino acid conservation, physicochemical variation, residue mobility, and thermodynamic stability) has been performed at Invitae for this missense variant, however the output from this modeling did not meet the statistical confidence thresholds required to predict the impact of this variant on BMPR1A protein function. This variant has not been reported in the literature in individuals affected with BMPR1A-related conditions. This variant is not present in population databases (gnomAD no frequency). This sequence change replaces tyrosine, which is neutral and polar, with histidine, which is basic and polar, at codon 453 of the BMPR1A protein (p.Tyr453His).